The following is an entry in ClinVar:

ClinVar aggregate classification (germline): Benign. Review status: criteria provided, single submitter (1 of 4 stars). 2 submissions from 1 submitter: Benign (2). Last evaluated 2018-01-12.

Conditions:
Hypophosphatemic rickets, autosomal recessive, 2 (ARHR2). Identifiers: Orphanet 289176, MedGen C2750078, MONDO:0013219, OMIM 613312.
Arterial calcification, generalized, of infancy, 1 (GACI1). Also called: Idiopathic Infantile Arterial Calcification. Identifiers: Orphanet 51608, MedGen C4551985, MONDO:0008817, OMIM 208000.

Allele frequency attached by ClinVar (database versions not stated): gnomAD 0.03941 and 0.04080; 1000 Genomes Project 0.04193; 1000 Genomes Project 30x 0.04247; TOPMed 0.04366.

Submissions (2):

Illumina Laboratory Services, Illumina
Classification: Benign for Hypophosphatemic rickets, autosomal recessive, 2. Last evaluated: 2018-01-12. Review status: criteria provided, single submitter. Criteria: ICSL Variant Classification Criteria 13 December 2019. Collection method: clinical testing. Allele origin: germline.
Comment: This variant was observed in the ICSL laboratory as part of a predisposition screen in an ostensibly healthy population. It had not been previously curated by ICSL or reported in the Human Gene Mutation Database (HGMD: prior to June 1st, 2018), and was therefore a candidate for classification through an automated scoring system. Utilizing variant allele frequency, disease prevalence and penetrance estimates, and inheritance mode, an automated score was calculated to assess if this variant is too frequent to cause the disease. Based on the score and internal cut-off values, a variant classified as benign is not then subjected to further curation. The score for this variant resulted in a classification of benign for this disease.

Illumina Laboratory Services, Illumina
Classification: Benign for Arterial calcification, generalized, of infancy, 1. Last evaluated: 2018-01-12. Review status: criteria provided, single submitter. Criteria: ICSL Variant Classification Criteria 13 December 2019. Collection method: clinical testing. Allele origin: germline.
Comment: the same text as in the submission from Illumina Laboratory Services, Illumina above.

NM_006208.3(ENPP1):c.*2282G>A

Gene: ENPP1 (ectonucleotide pyrophosphatase/phosphodiesterase 1; plus strand). Cytogenetic location: 6q23.2.
Variant type: single nucleotide variant.
Coding change: c.*2282G>A on transcript NM_006208.3 (MANE Select); 2282 bases downstream of the stop codon, G replaced by A.
Molecular consequence: 3 prime UTR variant.
Genome position (GRCh38, 1-based): chr6:131,892,793, G>A. VCF-style: chr6-131892793-G-A. GRCh37 (hg19) VCF-style: chr6-132213933-G-A.
Identifiers: ClinVar variation 355403 (VCV000355403.5), dbSNP rs73778612, ClinGen allele CA10625789.